The following is an entry in ClinVar:

NM_000051.4(ATM):c.5992_5993dup (p.Ile1999fs)

Genes: ATM (ATM serine/threonine kinase; plus strand), C11orf65 (chromosome 11 open reading frame 65; minus strand). Cytogenetic location: 11q22.3.
Variant type: Duplication.
Coding change: c.5992_5993dup on transcript NM_000051.4 (MANE Select); coding-DNA positions 5992 to 5993, 2 bases duplicated (GG; older notation c.5992_5993dupGG).
Protein change: p.Ile1999fs; shifts the reading frame from isoleucine 1999.
Molecular consequence: frameshift variant. On other transcripts: intron variant (2).
Genome position (GRCh38, 1-based): chr11:108,312,484-108,312,485, GG duplicated. VCF-style (leftmost placement, unchanged base first): chr11-108312483-T-TGG. GRCh37 (hg19) VCF-style: chr11-108183210-T-TGG.
Other names: c.5992_5993dupGG (NM_000051.3); c.5992_5993dup, p.Ile1999fs (NM_001351834.2); c.641-3414_641-3413dup (NM_001330368.2); c.*39-3414_*39-3413dup (NM_001351110.2); short protein forms I1999fs.
Identifiers: ClinVar variation 955965 (VCV000955965.10), dbSNP rs2084254630, ClinGen allele CA1139662238.

ClinVar aggregate classification (germline): Pathogenic. Review status: criteria provided, multiple submitters, no conflicts (2 of 4 stars). 2 submissions from 2 submitters: Pathogenic (2). Last evaluated 2023-11-13.

Conditions:
Hereditary cancer-predisposing syndrome. Also called: Tumor predisposition; Neoplastic Syndromes, Hereditary; Hereditary neoplastic syndrome; Hereditary Cancer Syndrome. Identifiers: Orphanet 140162, MedGen C0027672, MeSH D009386, MONDO:0015356.
Ataxia-telangiectasia syndrome (AT). Also called: Ataxia-telangiectasia, complementation group D; AT, COMPLEMENTATION GROUP C; ATAXIA-TELANGIECTASIA, COMPLEMENTATION GROUP A; ATAXIA-TELANGIECTASIA, FRESNO VARIANT; Ataxia-telangiectasia; Ataxia telangiectasia (A-T). Identifiers: Orphanet 100, MedGen C0004135, MONDO:0008840, OMIM 208900.

Submissions (2):

Ambry Genetics
Classification: Pathogenic for Hereditary cancer-predisposing syndrome. Last evaluated: 2023-11-13. Review status: criteria provided, single submitter. Criteria: Ambry Variant Classification Scheme 2023. Collection method: clinical testing. Allele origin: germline.
Comment: The c.5992_5993dupGG pathogenic mutation, located in coding exon 39 of the ATM gene, results from a duplication of GG at nucleotide positions 5992 to 5993, causing a translational frameshift with a predicted alternate stop codon (p.I1999Efs*2). This alteration is expected to result in loss of function by premature protein truncation or nonsense-mediated mRNA decay. As such, this alteration is interpreted as a disease-causing mutation.

Labcorp Genetics (formerly Invitae), Labcorp
Classification: Pathogenic for Ataxia-telangiectasia syndrome. Last evaluated: 2019-07-19. Review status: criteria provided, single submitter. Criteria: Invitae Variant Classification Sherloc (09022015). Collection method: clinical testing. Allele origin: germline.
Comment: This variant has not been reported in the literature in individuals with ATM-related conditions. This sequence change creates a premature translational stop signal (p.Ile1999Glufs*2) in the ATM gene. It is expected to result in an absent or disrupted protein product. This variant is not present in population databases (ExAC no frequency). Loss-of-function variants in ATM are known to be pathogenic (PMID: 23807571, 25614872). For these reasons, this variant has been classified as Pathogenic.

Literature cited by the submitters: PubMed 23807571 (cited by Labcorp Genetics (formerly Invitae), Labcorp); PubMed 25614872 (cited by Labcorp Genetics (formerly Invitae), Labcorp).